The following is an entry in ClinVar:

ClinVar aggregate classification (germline): Likely benign (1 of 4 stars; one submission).

Submission:

CeGaT Center for Human Genetics Tuebingen
Classification: Likely benign. Last evaluated: 2022-07-01. Review status: criteria provided, single submitter. Criteria: CeGaT Center For Human Genetics Tuebingen Variant Classification Criteria Version 2. Collection method: clinical testing. Allele origin: germline. Affected: yes. Observed: 1 variant allele.
Comment: EIF2AK4: PM2:Supporting, BP4, BP7

NM_001013703.4(EIF2AK4):c.4008A>G (p.Lys1336=)

Gene: EIF2AK4 (eukaryotic translation initiation factor 2 alpha kinase 4; plus strand). Cytogenetic location: 15q15.1.
Variant type: single nucleotide variant.
Coding change: c.4008A>G on transcript NM_001013703.4 (MANE Select); coding-DNA position 4008, A replaced by G.
Protein change: p.Lys1336=; no amino-acid change (lysine 1336 retained).
Molecular consequence: synonymous variant.
Genome position (GRCh38, 1-based): chr15:40,017,185, A>G. VCF-style: chr15-40017185-A-G. GRCh37 (hg19) VCF-style: chr15-40309386-A-G.
Identifiers: ClinVar variation 2645163 (VCV002645163.24), dbSNP rs2504632210, ClinGen allele CA489662594.
Genomic context (GRCh38, chr15:40,017,185, plus strand): 5'-CTTGGTTTACAAGGTGCAGCAGCACAATGGAATCATCTTCCAGTTTGTGGCTTTCATCAA[A>G]CGAAGGCAAAGGGCTGTACCTGAAATCCTCGCAGCTGGAGGCAGATATGACCTGCTGGTG-3'
Protein context (NP_001013725.2, residues 1326-1346): GIIFQFVAFI[Lys1336=]RRQRAVPEIL